The following is an entry in ClinVar:

NM_019066.5(MAGEL2):c.1390G>C (p.Val464Leu)

Gene: MAGEL2 (MAGE family member L2; minus strand). Cytogenetic location: 15q11.2.
Variant type: single nucleotide variant.
Coding change: c.1390G>C on transcript NM_019066.5 (MANE Select); coding-DNA position 1390, G replaced by C.
Protein change: p.Val464Leu; replaces valine 464 with leucine.
Molecular consequence: missense variant.
Genome position (GRCh38, 1-based): chr15:23,646,353, C>G on the plus strand (G>C on the coding strand, the complement: MAGEL2 is on the minus strand). VCF-style: chr15-23646353-C-G. GRCh37 (hg19) VCF-style: chr15-23891500-C-G.
Other names: short protein forms V464L.
Identifiers: ClinVar variation 2381225 (VCV002381225.5), dbSNP rs559228812, ClinGen allele CA267660395.

ClinVar aggregate classification (germline): Uncertain significance. Review status: criteria provided, multiple submitters, no conflicts (2 of 4 stars). 3 submissions from 3 submitters: Uncertain significance (3). Last evaluated 2026-01-27.

Conditions:
MAGEL2-related disorder. Also called: MAGEL2-related condition.
Inborn genetic diseases. Identifiers: MedGen C0950123, MeSH D030342.

Allele frequency attached by ClinVar (database versions not stated): gnomAD 0.00011; 1000 Genomes Project 0.00020.

Submissions (3):

PreventionGenetics, part of Exact Sciences
Classification: Uncertain significance for MAGEL2-related condition. Last evaluated: 2026-01-27. Review status: criteria provided, single submitter. Criteria: ACMG Guidelines, 2015. Collection method: clinical testing. Allele origin: germline.
Comment: The MAGEL2 c.1390G>C variant is predicted to result in the amino acid substitution p.Val464Leu. To our knowledge, this variant has not been reported in the literature. This variant is reported in 0.025% of alleles in individuals of African descent in gnomAD. At this time, the clinical significance of this variant is uncertain due to the absence of conclusive functional and genetic evidence.

Labcorp Genetics (formerly Invitae), Labcorp
Classification: Uncertain significance. Last evaluated: 2025-08-20. Review status: criteria provided, single submitter. Criteria: Invitae Variant Classification Sherloc (09022015). Collection method: clinical testing. Allele origin: germline.
Comment: This sequence change replaces valine, which is neutral and non-polar, with leucine, which is neutral and non-polar, at codon 464 of the MAGEL2 protein (p.Val464Leu). This variant is present in population databases (rs559228812, gnomAD 0.05%). This variant has not been reported in the literature in individuals affected with MAGEL2-related conditions. ClinVar contains an entry for this variant (Variation ID: 2381225). Experimental studies and prediction algorithms are not available or were not evaluated, and the functional significance of this variant is currently unknown. In summary, the available evidence is currently insufficient to determine the role of this variant in disease. Therefore, it has been classified as a Variant of Uncertain Significance.

Ambry Genetics
Classification: Uncertain significance for Inborn genetic diseases. Last evaluated: 2021-09-01. Review status: criteria provided, single submitter. Criteria: Ambry Variant Classification Scheme 2023. Collection method: clinical testing. Allele origin: germline.